The following is an entry in ClinVar:

ClinVar aggregate classification (germline): Uncertain significance (1 of 4 stars; one submission).

Conditions:
Type A2 brachydactyly (BDA2). Also called: BRACHYMESOPHALANGY II; MOHR-WRIEDT TYPE BRACHYDACTYLY; Brachymesophalangy type 2. Identifiers: Orphanet 93396, MedGen C1832702, MONDO:0007216, OMIM 112600, HP:0009372.
Acromesomelic dysplasia 3 (AMD3). Also called: Acromesomelic dysplasia, Demirhan type; CHONDRODYSPLASIA, ACROMESOMELIC, WITH OR WITHOUT GENITAL ANOMALIES. Identifiers: MedGen C4225404, MONDO:0012274, OMIM 609441.

Allele frequency attached by ClinVar (database versions not stated): gnomAD 0.00001; ExAC 0.00002; TOPMed 0.00002.
gnomAD v4.1: 81 of 1,613,542 alleles (0.005%); highest among the groups gnomAD compares: Non-Finnish European, 0.0064%; no homozygotes.

Submission:

Labcorp Genetics (formerly Invitae), Labcorp
Classification: Uncertain significance for Type A2 brachydactyly; Acromesomelic dysplasia 3. Last evaluated: 2025-04-28. Review status: criteria provided, single submitter. Criteria: Invitae Variant Classification Sherloc (09022015). Collection method: clinical testing. Allele origin: germline.
Comment: This sequence change replaces alanine, which is neutral and non-polar, with serine, which is neutral and polar, at codon 264 of the BMPR1B protein (p.Ala264Ser). This variant is present in population databases (rs767750336, gnomAD 0.003%). This missense change has been observed in individual(s) with BMPR1B-related conditions (PMID: 33057194, 35982159). ClinVar contains an entry for this variant (Variation ID: 1934797). Invitae Evidence Modeling of protein sequence and biophysical properties (such as structural, functional, and spatial information, amino acid conservation, physicochemical variation, residue mobility, and thermodynamic stability) indicates that this missense variant is not expected to disrupt BMPR1B protein function with a negative predictive value of 80%. In summary, the available evidence is currently insufficient to determine the role of this variant in disease. Therefore, it has been classified as a Variant of Uncertain Significance.

Literature cited by the submitters: PubMed 33057194; PubMed 35982159.

NM_001203.3(BMPR1B):c.790G>T (p.Ala264Ser)

Gene: BMPR1B (bone morphogenetic protein receptor type 1B; plus strand). Cytogenetic location: 4q22.3.
Variant type: single nucleotide variant.
Coding change: c.790G>T on transcript NM_001203.3 (MANE Select); coding-DNA position 790, G replaced by T.
Protein change: p.Ala264Ser; replaces alanine 264 with serine.
Molecular consequence: missense variant.
Genome position (GRCh38, 1-based): chr4:95,131,226, G>T. VCF-style: chr4-95131226-G-T. GRCh37 (hg19) VCF-style: chr4-96052377-G-T.
Other names: c.790G>T, p.Ala264Ser (NM_001256792.2, NM_001256794.1); c.880G>T, p.Ala294Ser (NM_001256793.2); short protein forms A264S, A294S.
Identifiers: ClinVar variation 1934797 (VCV001934797.5), dbSNP rs767750336, ClinGen allele CA3015108.
Genomic context (GRCh38, chr4:95,131,226, plus strand): 5'-CTGATACTATTTGGAAAACACTAAACCTTTTCATCTTTTTTCCTTTTAGGTTTCATTGCT[G>T]CAGATATCAAAGGGACAGGGTCCTGGACCCAGTTGTACCTAATCACAGACTATCATGAAA-3'
Protein context (NP_001194.1, residues 254-274): RHENILGFIA[Ala264Ser]DIKGTGSWTQ